The following is an entry in ClinVar:

ClinVar aggregate classification (germline): Uncertain significance (1 of 4 stars; one submission).

Submission:

Ambry Genetics
Classification: Uncertain significance. Last evaluated: 2025-03-15. Review status: criteria provided, single submitter. Criteria: Ambry Variant Classification Scheme 2023. Collection method: clinical testing. Allele origin: germline.
Comment: The p.N338D variant (also known as c.1012A>G), located in coding exon 9 of the GEN1 gene, results from an A to G substitution at nucleotide position 1012. The asparagine at codon 338 is replaced by aspartic acid, an amino acid with highly similar properties. This amino acid position is conserved. In addition, this alteration is predicted to be tolerated by in silico analysis. Based on the available evidence, the clinical significance of this variant remains unclear.

NM_001130009.3(GEN1):c.1012A>G (p.Asn338Asp)

Gene: GEN1 (GEN1 Holliday junction 5' flap endonuclease; plus strand). Cytogenetic location: 2p24.2.
Variant type: single nucleotide variant.
Coding change: c.1012A>G on transcript NM_001130009.3 (MANE Select); coding-DNA position 1012, A replaced by G.
Protein change: p.Asn338Asp; replaces asparagine 338 with aspartic acid.
Molecular consequence: missense variant.
Genome position (GRCh38, 1-based): chr2:17,773,240, A>G. VCF-style: chr2-17773240-A-G. GRCh37 (hg19) VCF-style: chr2-17954507-A-G.
Other names: c.1012A>G, p.Asn338Asp (NM_182625.5); short protein forms N338D.
Identifiers: ClinVar variation 4029143 (VCV004029143.1).